The following is an entry in ClinVar:

ClinVar aggregate classification (germline): Likely pathogenic. Review status: criteria provided, multiple submitters, no conflicts (2 of 4 stars). 4 submissions from 4 submitters: Likely pathogenic (3). 1 of the submissions does not count toward it. Last evaluated 2025-07-21.

Conditions:
Agenesis of the corpus callosum with peripheral neuropathy (ACCPN). Also called: Hereditary Motor and Sensory Neuropathy with Agenesis of the Corpus Callosum; POLYNEUROPATHY, SENSORIMOTOR, WITH OR WITHOUT AGENESIS OF THE CORPUS CALLOSUM; HMSN/ACC; CHARLEVOIX DISEASE. Identifiers: Orphanet 1496, MedGen C0795950, MONDO:0000902, OMIM 218000. Disease mechanism: loss of function.
Charcot-Marie-Tooth disease, axonal, IIa 2II. Also called: Charcot-marie-tooth disease, axonal,IIa 2II; CHARCOT-MARIE-TOOTH NEUROPATHY, TYPE 2II; Charcot-Marie-Tooth disease, axonal, type 2II. Identifiers: MedGen C5774227, MONDO:0031068, OMIM 620068.

Allele frequency attached by ClinVar (database versions not stated): TOPMed below 0.00001.

Submissions (4):

Natera, Inc.
Classification: Likely pathogenic for Andermann syndrome. Last evaluated: 2025-07-21. Review status: criteria provided, single submitter. Criteria: Natera Variant Classification Schema (03/2026). Collection method: clinical testing. Allele origin: germline.
Comment: The c.3227+1G>A variant in SLC12A6 is a canonical splice donor site variant predicted to affect pre-mRNA splicing, which may result in an abnormal transcript and altered protein product. This variant is expected to result in nonsense mediated decay, truncation, or a dysfunctional protein product. This variant is rare in the general population with a frequency below the threshold expected for the associated phenotype(s). Given the available evidence, this variant is classified as Likely Pathogenic.

Fulgent Genetics
Classification: Likely pathogenic for Agenesis of the corpus callosum with peripheral neuropathy; Charcot-Marie-Tooth disease, axonal, IIa 2II. Last evaluated: 2024-05-02. Review status: criteria provided, single submitter. Criteria: ACMG Guidelines, 2015. Collection method: clinical testing. Allele origin: germline.

Labcorp Genetics (formerly Invitae), Labcorp
Classification: Likely pathogenic. Last evaluated: 2019-06-27. Review status: criteria provided, single submitter. Criteria: Invitae Variant Classification Sherloc (09022015). Collection method: clinical testing. Allele origin: germline.
Comment: Donor and acceptor splice site variants typically lead to a loss of protein function (PMID: 16199547), and loss-of-function variants in SLC12A6 are known to be pathogenic (PMID: 12368912, 16606917). This variant has not been reported in the literature in individuals with SLC12A6-related conditions. ClinVar contains an entry for this variant (Variation ID: 371054). This variant is not present in population databases (ExAC no frequency). This sequence change affects a donor splice site in intron 23 of the SLC12A6 gene. It is expected to disrupt RNA splicing and likely results in an absent or disrupted protein product. In summary, the currently available evidence indicates that the variant is pathogenic, but additional data are needed to prove that conclusively. Therefore, this variant has been classified as Likely Pathogenic.

Counsyl
Classification: Likely pathogenic for Agenesis of the corpus callosum with peripheral neuropathy. Last evaluated: 2016-06-14. Review status: no assertion criteria provided. Collection method: clinical testing. Allele origin: unknown. Not counted in ClinVar's aggregate classification.

Literature cited by the submitters: PubMed 16199547 (cited by Labcorp Genetics (formerly Invitae), Labcorp); PubMed 12368912 (cited by Labcorp Genetics (formerly Invitae), Labcorp); PubMed 16606917 (cited by Labcorp Genetics (formerly Invitae), Labcorp).

NM_001365088.1(SLC12A6):c.3227+1G>A

Gene: SLC12A6 (solute carrier family 12 member 6; minus strand). Cytogenetic location: 15q14.
Variant type: single nucleotide variant.
Coding change: c.3227+1G>A on transcript NM_001365088.1 (MANE Select); the canonical splice donor site of the intron after coding-DNA position 3227, G replaced by A.
Molecular consequence: splice donor variant.
Genome position (GRCh38, 1-based): chr15:34,236,014, C>T on the plus strand (G>A on the coding strand, the complement: SLC12A6 is on the minus strand). VCF-style: chr15-34236014-C-T. GRCh37 (hg19) VCF-style: chr15-34528215-C-T.
Other names: c.3050+1G>A (NM_001042495.2, NM_001042494.2); c.3200+1G>A (NM_001042496.2); c.3182+1G>A (NM_001042497.2); c.3227+1G>A (NM_133647.2); c.3074+1G>A (NM_005135.2).
Identifiers: ClinVar variation 371054 (VCV000371054.17), dbSNP rs1057516969, ClinGen allele CA16041713.